The following is an entry in ClinVar:

NC_000019.9:g.(?_33882181)_(33882405_?)del

Gene: PEPD (peptidase D; minus strand). Cytogenetic location: 19q13.11.
Variant type: Deletion.
Identifiers: ClinVar variation 3242631 (VCV003242631.1).

ClinVar aggregate classification (germline): Pathogenic (1 of 4 stars; one submission).

Submission:

Labcorp Genetics (formerly Invitae), Labcorp
Classification: Pathogenic. Last evaluated: 2023-04-18. Review status: criteria provided, single submitter. Criteria: Invitae Variant Classification Sherloc (09022015). Collection method: clinical testing. Allele origin: unknown.
Comment: For these reasons, this variant has been classified as Pathogenic. This variant has not been reported in the literature in individuals affected with PEPD-related conditions. This variant is a gross deletion of the genomic region encompassing exon(s) 13 of the PEPD gene. This deletion is out-of-frame, and is expected to create a premature termination codon and result in an absent or disrupted protein product. Loss-of-function variants in PEPD are known to be pathogenic (PMID: 8198124, 10721675, 12384772, 17142620).

Literature cited by the submitters: PubMed 8198124; PubMed 10721675; PubMed 12384772; PubMed 17142620.